The following is an entry in ClinVar:

NM_001349253.2(SCN11A):c.2744G>T (p.Trp915Leu)

Gene: SCN11A (sodium voltage-gated channel alpha subunit 11; minus strand). Cytogenetic location: 3p22.2.
Variant type: single nucleotide variant.
Coding change: c.2744G>T on transcript NM_001349253.2 (MANE Select); coding-DNA position 2744, G replaced by T.
Protein change: p.Trp915Leu; replaces tryptophan 915 with leucine.
Molecular consequence: missense variant.
Genome position (GRCh38, 1-based): chr3:38,894,624, C>A on the plus strand (G>T on the coding strand, the complement: SCN11A is on the minus strand). VCF-style: chr3-38894624-C-A. GRCh37 (hg19) VCF-style: chr3-38936115-C-A.
Other names: c.2744G>T, p.Trp915Leu (NM_014139.3); short protein forms W915L.
Identifiers: ClinVar variation 541566 (VCV000541566.5), dbSNP rs1553636827, ClinGen allele CA352174482.
Genomic context (GRCh38, chr3:38,894,624, plus strand): 5'-TGTGCATTATCTTCACCAGAAAATTCAACGTCATCTTCCTCCTCCGCAAGTGGTGCCAAC[C>A]AAGTCCAATCATGCCTGACGCCCAGGGTCTTTGGTACAGAGGTTAGTATACCAAGCTCCT-3'
Protein context (NP_001336182.1, residues 905-925): KTLGVRHDWT[Trp915Leu]LAPLAEEEDD

ClinVar aggregate classification (germline): Uncertain significance (1 of 4 stars; one submission).

Conditions:
Hereditary sensory and autonomic neuropathy type 7. Also called: Neuropathy, hereditary sensory and autonomic, type VII; HSAN VII. Identifiers: Orphanet 391397, MedGen C3809882, MONDO:0014244, OMIM 615548.
Familial episodic pain syndrome with predominantly lower limb involvement. Also called: Episodic pain syndrome, familial, 3. Identifiers: Orphanet 391384, Orphanet 391392, MedGen C3809899, MONDO:0014247, OMIM 615552.

Allele frequency attached by ClinVar (database versions not stated): gnomAD exomes below 0.00001.
gnomAD v4.1: 1 of 1,614,156 alleles (0.000062%); highest among the groups gnomAD compares: Non-Finnish European, 0.000085%; no homozygotes.

Submission:

Labcorp Genetics (formerly Invitae), Labcorp
Classification: Uncertain significance for Familial episodic pain syndrome with predominantly lower limb involvement; Hereditary sensory and autonomic neuropathy type 7. Last evaluated: 2017-08-08. Review status: criteria provided, single submitter. Criteria: Invitae Variant Classification Sherloc (09022015). Collection method: clinical testing. Allele origin: germline.
Comment: In summary, the available evidence is currently insufficient to determine the role of this variant in disease. Therefore, it has been classified as a Variant of Uncertain Significance. Algorithms developed to predict the effect of missense changes on protein structure and function (SIFT, PolyPhen-2, Align-GVGD) all suggest that this variant is likely to be tolerated, but these predictions have not been confirmed by published functional studies and their clinical significance is uncertain. This variant has not been reported in the literature in individuals with SCN11A-related disease. This variant is not present in population databases (ExAC no frequency). This sequence change replaces tryptophan with leucine at codon 915 of the SCN11A protein (p.Trp915Leu). The tryptophan residue is moderately conserved and there is a small physicochemical difference between tryptophan and leucine.